The following is an entry in ClinVar:

ClinVar aggregate classification (germline): Uncertain significance (1 of 4 stars; one submission).

Conditions:
3-methylcrotonyl-CoA carboxylase 2 deficiency. Also called: METHYLCROTONYLGLYCINURIA, TYPE II; 3 alpha methylcrotonyl-CoA carboxylase 2 deficiency; 3 alpha methylcrotonylglycinuria 2; MCC 2 deficiency; Methylcrotonylglycinuria type 2. Identifiers: Orphanet 6, MedGen C1859499, MONDO:0008862, OMIM 210210.

Submission:

Labcorp Genetics (formerly Invitae), Labcorp
Classification: Uncertain significance for 3-methylcrotonyl-CoA carboxylase 2 deficiency. Last evaluated: 2018-10-11. Review status: criteria provided, single submitter. Criteria: Invitae Variant Classification Sherloc (09022015). Collection method: clinical testing. Allele origin: germline.
Comment: This sequence change replaces tyrosine with cysteine at codon 42 of the MCCC2 protein (p.Tyr42Cys). The tyrosine residue is highly conserved and there is a large physicochemical difference between tyrosine and cysteine. The frequency data for this variant in the population databases is considered unreliable, as metrics indicate insufficient coverage at this position in the ExAC database. In summary, the available evidence is currently insufficient to determine the role of this variant in disease. Therefore, it has been classified as a Variant of Uncertain Significance. Algorithms developed to predict the effect of missense changes on protein structure and function are either unavailable or do not agree on the potential impact of this missense change (SIFT: "Deleterious"; PolyPhen-2: "Possibly Damaging"; Align-GVGD: "Class C0"). This variant has not been reported in the literature in individuals with MCCC2-related disease.

NM_022132.5(MCCC2):c.125A>G (p.Tyr42Cys)

Gene: MCCC2 (methylcrotonyl-CoA carboxylase subunit 2; plus strand). Cytogenetic location: 5q13.2.
Variant type: single nucleotide variant.
Coding change: c.125A>G on transcript NM_022132.5 (MANE Select); coding-DNA position 125, A replaced by G.
Protein change: p.Tyr42Cys; replaces tyrosine 42 with cysteine.
Molecular consequence: missense variant.
Genome position (GRCh38, 1-based): chr5:71,587,550, A>G. VCF-style: chr5-71587550-A-G. GRCh37 (hg19) VCF-style: chr5-70883377-A-G.
Other names: c.125A>G, p.Tyr42Cys (NM_001363147.1); short protein forms Y42C.
Identifiers: ClinVar variation 641167 (VCV000641167.8), dbSNP rs1580262373, ClinGen allele CA360002509.